The following is an entry in ClinVar:

NM_001330078.2(NRXN1):c.3365-109939C>T

Gene: NRXN1 (neurexin 1; minus strand). Cytogenetic location: 2p16.3.
Variant type: single nucleotide variant.
Coding change: c.3365-109939C>T on transcript NM_001330078.2 (MANE Select); 109939 bases into the intron before coding-DNA position 3365, C replaced by T.
Molecular consequence: intron variant. On other transcripts: missense variant (4).
Genome position (GRCh38, 1-based): chr2:50,346,909, G>A on the plus strand (C>T on the coding strand, the complement: NRXN1 is on the minus strand). VCF-style: chr2-50346909-G-A. GRCh37 (hg19) VCF-style: chr2-50574047-G-A.
Other names: p.S14L:TCG>TTG; c.41C>T, p.Ser14Leu (NM_001330091.2, NM_001330092.2, NM_001330097.2 and 1 more transcripts); c.3254-109939C>T (NM_001330096.2, NM_001330087.2); c.3299-109939C>T (NM_001330083.2, NM_001330084.2); c.3284-109939C>T (NM_001330088.2); c.3362-109939C>T (NM_001330093.2); c.3353-109939C>T (NM_001330094.2); c.3314-109939C>T (NM_001330095.2); and 4 more; short protein forms S14L.
Identifiers: ClinVar variation 206264 (VCV000206264.56), dbSNP rs766942777, ClinGen allele CA316175.

ClinVar aggregate classification (germline): Conflicting classifications of pathogenicity. Review status: criteria provided, conflicting classifications (1 of 4 stars). 6 submissions from 6 submitters: Uncertain significance (3); Likely benign (3). Last evaluated 2026-04-01.

Conditions:
Chromosome 2p16.3 deletion syndrome. Identifiers: MedGen C3808494, MONDO:0013696, OMIM 614332.
Pitt-Hopkins-like syndrome 2 (PTHSL2). Identifiers: Orphanet 221150, Orphanet 600663, MedGen C3280479, MONDO:0013690, OMIM 614325.
Inborn genetic diseases. Identifiers: MedGen C0950123, MeSH D030342.

Allele frequency attached by ClinVar (database versions not stated): gnomAD 0.00024 and 0.00026; TOPMed 0.00032; gnomAD exomes 0.00040 and 0.00063; ExAC 0.00130.
gnomAD v4.1: 498 of 1,295,284 alleles (0.038%); highest among the groups gnomAD compares: Middle Eastern, 0.23%; no homozygotes.

Submissions (6):

CeGaT Center for Human Genetics Tuebingen
Classification: Likely benign. Last evaluated: 2026-04-01. Review status: criteria provided, single submitter. Criteria: CeGaT Center For Human Genetics Tuebingen Variant Classification Criteria Version 2. Collection method: clinical testing. Allele origin: germline. Affected: yes. Observed: 4 variant alleles.
Comment: NRXN1: BP4

Labcorp Genetics (formerly Invitae), Labcorp
Classification: Likely benign for Pitt-Hopkins-like syndrome 2. Last evaluated: 2025-06-04. Review status: criteria provided, single submitter. Criteria: Invitae Variant Classification Sherloc (09022015). Collection method: clinical testing. Allele origin: germline.

Blueprint Genetics
Classification: Uncertain significance. Last evaluated: 2024-11-25. Review status: criteria provided, single submitter. Criteria: ACMG Guidelines, 2015. Collection method: clinical testing. Allele origin: germline.

GeneDx
Classification: Likely benign. Last evaluated: 2020-12-28. Review status: criteria provided, single submitter. Criteria: GeneDx Variant Classification Process June 2021. Collection method: clinical testing. Allele origin: germline. Affected: yes.
Comment: In silico analysis supports that this missense variant does not alter protein structure/function; Missense variant in a gene in which most reported pathogenic variants are truncating/loss-of-function; This variant is in the shorter transcript of NRXN1 (NM_138735.2), and alters a residue that is predicted to be in the signal peptide of the beta-neurexin protein (Zweier et al., 2009); This variant is associated with the following publications: (PMID: 18179900, 24832020, 21424692, 22504536, 17034946, 28289584, 29221905, 18728070)

Fulgent Genetics
Classification: Uncertain significance for Pitt-Hopkins-like syndrome 2; Chromosome 2p16.3 deletion syndrome. Last evaluated: 2018-10-31. Review status: criteria provided, single submitter. Criteria: ACMG Guidelines, 2015. Collection method: clinical testing. Allele origin: unknown.

Ambry Genetics
Classification: Uncertain significance for Inborn genetic diseases. Last evaluated: 2017-10-20. Review status: criteria provided, single submitter. Criteria: Ambry Variant Classification Scheme 2023. Collection method: clinical testing. Allele origin: germline.
Comment: The p.S14L variant (also known as c.41C>T), located in coding exon 1 of the NRXN1 gene, results from a C to T substitution at nucleotide position 41. The serine at codon 14 is replaced by leucine, an amino acid with dissimilar properties. In four separate studies, this alteration was detected in 5/944 individuals with ASD, ID, seizures, schizophrenia, and/or non syndromic ID; however, the phenotype of these individuals was variable. In addition, this alteration has been detected in 1/1330 controls (Camacho-Garcia RJ et al. Neurobiol. Dis., 2012 Jul;47:135-43; Yangngam S et al. Genet Test Mol Biomarkers, 2014 Jul;18:510-5; Gauthier J et al. Hum. Genet., 2011 Oct;130:563-73; Feng J et al. Neurosci. Lett., 2006 Nov;409:10-3). In one functional study, authors claimed that cell surface trafficking in COS cells containing this variant was not significantly different than cells containing wild type protein; however, details regarding this data were not provided (Gauthier J et al. Hum. Genet., 2011 Oct;130:563-73). This amino acid position is not well conserved in available vertebrate species. In addition, this alteration is predicted to be tolerated by in silico analysis. Since supporting evidence is limited at this time, the clinical significance of this alteration remains unclear.

Literature cited by the submitters: PubMed 17034946 (cited by Ambry Genetics); PubMed 21424692 (cited by Ambry Genetics); PubMed 22504536 (cited by Ambry Genetics); PubMed 24832020 (cited by Ambry Genetics).